The following is an entry in ClinVar:

ClinVar aggregate classification (germline): Pathogenic (1 of 4 stars; one submission).

Conditions:
Hereditary nonpolyposis colorectal neoplasms. Identifiers: MedGen C0009405, MeSH D003123.

Submission:

Labcorp Genetics (formerly Invitae), Labcorp
Classification: Pathogenic for Hereditary nonpolyposis colorectal neoplasms. Last evaluated: 2023-01-18. Review status: criteria provided, single submitter. Criteria: Invitae Variant Classification Sherloc (09022015). Collection method: clinical testing. Allele origin: germline.
Comment: For these reasons, this variant has been classified as Pathogenic. This variant has not been reported in the literature in individuals affected with PMS2-related conditions. This variant is not present in population databases (gnomAD no frequency). This sequence change creates a premature translational stop signal (p.Tyr61Metfs*15) in the PMS2 gene. It is expected to result in an absent or disrupted protein product. Loss-of-function variants in PMS2 are known to be pathogenic (PMID: 21376568, 24362816).

Literature cited by the submitters: PubMed 21376568; PubMed 24362816.

NM_000535.7(PMS2):c.180del (p.Tyr61fs)

Gene: PMS2 (PMS1 homolog 2, mismatch repair system component; minus strand). Cytogenetic location: 7p22.1.
Variant type: Deletion.
Coding change: c.180del on transcript NM_000535.7 (MANE Select); coding-DNA position 180, one base deleted (C; older notation c.180delC).
Protein change: p.Tyr61fs; shifts the reading frame from tyrosine 61.
Molecular consequence: frameshift variant. On other transcripts: 5 prime UTR variant (11), non-coding transcript variant (1).
Genome position (GRCh38, 1-based): chr7:6,004,042, G deleted on the plus strand (C on the coding strand, the reverse complement: PMS2 is on the minus strand). VCF-style (leftmost placement, unchanged base first): chr7-6004041-AG-A. GRCh37 (hg19) VCF-style: chr7-6043672-AG-A.
Other names: c.-226delC (NM_001018040.1, NM_001406887.1, NM_001406891.1 and 8 more transcripts); c.-226del (NM_001322003.2, NM_001322004.2, NM_001322005.2 and 3 more transcripts); c.180del, p.Tyr61fs (NM_001322006.2, NM_001322014.2); c.-36del (NM_001322007.2, NM_001322008.2); c.-705del (NM_001322011.2, NM_001322012.2); c.-305del (NM_001322015.2); c.366delC, p.Tyr123Metfs (NM_001406866.1); c.180delC, p.Tyr61Metfs (NM_001406868.1, NM_001406869.1, NM_001406870.1 and 8 more transcripts); and 6 more; short protein forms Y61fs.
Identifiers: ClinVar variation 2127113 (VCV002127113.4), dbSNP rs2536517418, ClinGen allele CA2580077031.
Genomic context (GRCh38, chr7:6,004,041, plus strand): 5'-CGAAGTTTTCTTCTTCTACCCCACATCCATTGTCTGAAACTTCAATAAGATCCACTCCAT[AG>A]TCCTTAAGCTTTAGATCTAGAAAGTTTAAAATATTTACATATTTATTAAAAACGGACCCA-3'